The following is an entry in ClinVar:

ClinVar aggregate classification (germline): Uncertain significance (1 of 4 stars; one submission).

Conditions:
Usher syndrome type 3B. Also called: USHER SYNDROME, TYPE IIIB. Identifiers: MedGen C3281066, MONDO:0013788, OMIM 614504.

Allele frequency attached by ClinVar (database versions not stated): TOPMed 0.00001.

Submission:

Labcorp Genetics (formerly Invitae), Labcorp
Classification: Uncertain significance for Usher syndrome type 3B. Last evaluated: 2019-09-07. Review status: criteria provided, single submitter. Criteria: Invitae Variant Classification Sherloc (09022015). Collection method: clinical testing. Allele origin: germline.
Comment: In summary, the available evidence is currently insufficient to determine the role of this variant in disease. Therefore, it has been classified as a Variant of Uncertain Significance. Algorithms developed to predict the effect of missense changes on protein structure and function are either unavailable or do not agree on the potential impact of this missense change (SIFT: "Deleterious"; PolyPhen-2: "Probably Damaging"; Align-GVGD: "Class C0"). This variant has not been reported in the literature in individuals with HARS-related conditions. This variant is not present in population databases (ExAC no frequency). This sequence change replaces glycine with tryptophan at codon 122 of the HARS protein (p.Gly122Trp). The glycine residue is highly conserved and there is a large physicochemical difference between glycine and tryptophan.

NM_002109.6(HARS1):c.364G>T (p.Gly122Trp)

Gene: HARS1 (histidyl-tRNA synthetase 1; minus strand). Cytogenetic location: 5q31.3.
Variant type: single nucleotide variant.
Coding change: c.364G>T on transcript NM_002109.6 (MANE Select); coding-DNA position 364, G replaced by T.
Protein change: p.Gly122Trp; replaces glycine 122 with tryptophan.
Molecular consequence: missense variant. On other transcripts: intron variant (2).
Genome position (GRCh38, 1-based): chr5:140,679,820, C>A on the plus strand (G>T on the coding strand, the complement: HARS1 is on the minus strand). VCF-style: chr5-140679820-C-A. GRCh37 (hg19) VCF-style: chr5-140059405-C-A.
Other names: c.244G>T, p.Gly82Trp (NM_001258040.3, NM_001258042.3); c.364G>T, p.Gly122Trp (NM_001258041.3); c.277G>T, p.Gly93Trp (NM_001289094.2); c.181-1805G>T (NM_001289093.2); c.301-1805G>T (NM_001289092.2); short protein forms G82W, G93W, G122W.
Identifiers: ClinVar variation 941625 (VCV000941625.9), dbSNP rs749493279, ClinGen allele CA361257714.